The following is an entry in ClinVar:

ClinVar aggregate classification (germline): Uncertain significance. Review status: criteria provided, multiple submitters, no conflicts (2 of 4 stars). 2 submissions from 2 submitters: Uncertain significance (2). Last evaluated 2025-04-17.

Conditions:
Spastic paraplegia. Identifiers: MedGen C0037772, HP:0001258.

Allele frequency attached by ClinVar (database versions not stated): gnomAD exomes below 0.00001.

Submissions (2):

Labcorp Genetics (formerly Invitae), Labcorp
Classification: Uncertain significance for Spastic paraplegia. Last evaluated: 2025-04-17. Review status: criteria provided, single submitter. Criteria: Invitae Variant Classification Sherloc (09022015). Collection method: clinical testing. Allele origin: germline.
Comment: This sequence change replaces valine, which is neutral and non-polar, with leucine, which is neutral and non-polar, at codon 872 of the L1CAM protein (p.Val872Leu). This variant is not present in population databases (gnomAD no frequency). This variant has not been reported in the literature in individuals affected with L1CAM-related conditions. ClinVar contains an entry for this variant (Variation ID: 211341). Invitae Evidence Modeling of protein sequence and biophysical properties (such as structural, functional, and spatial information, amino acid conservation, physicochemical variation, residue mobility, and thermodynamic stability) indicates that this missense variant is not expected to disrupt L1CAM protein function with a negative predictive value of 95%. In summary, the available evidence is currently insufficient to determine the role of this variant in disease. Therefore, it has been classified as a Variant of Uncertain Significance.

Genetic Services Laboratory, University of Chicago
Classification: Uncertain significance. Last evaluated: 2015-05-04. Review status: criteria provided, single submitter. Criteria: ACMG Guidelines, 2015. Collection method: clinical testing. Allele origin: germline.

NM_001278116.2(L1CAM):c.2614G>T (p.Val872Leu)

Gene: L1CAM (L1 cell adhesion molecule; minus strand). Cytogenetic location: Xq28.
Variant type: single nucleotide variant.
Coding change: c.2614G>T on transcript NM_001278116.2 (MANE Select); coding-DNA position 2614, G replaced by T.
Protein change: p.Val872Leu; replaces valine 872 with leucine.
Molecular consequence: missense variant.
Genome position (GRCh38, 1-based): chrX:153,865,434, C>A on the plus strand (G>T on the coding strand, the complement: L1CAM is on the minus strand). VCF-style: chrX-153865434-C-A. GRCh37 (hg19) VCF-style: chrX-153130889-C-A.
Other names: c.2614G>T, p.Val872Leu (NM_000425.5, NM_024003.3); c.2599G>T, p.Val867Leu (NM_001143963.2); short protein forms V872L, V867L.
Identifiers: ClinVar variation 211341 (VCV000211341.7), dbSNP rs797045675, ClinGen allele CA207463.